The following is an entry in ClinVar:

NM_006828.4(ASCC3):c.5927+6del

Gene: ASCC3 (activating signal cointegrator 1 complex subunit 3; minus strand). Cytogenetic location: 6q16.3.
Variant type: Deletion.
Coding change: c.5927+6del on transcript NM_006828.4 (MANE Select); 6 bases into the intron after coding-DNA position 5927, one base deleted (T; older notation c.5927+6delT).
Molecular consequence: intron variant.
Genome position (GRCh38, 1-based): chr6:100,517,985, A deleted on the plus strand (T on the coding strand, the reverse complement: ASCC3 is on the minus strand); the first of 2 consecutive A bases (chr6:100,517,985-100,517,986); deleting either gives the same sequence. VCF-style (leftmost placement, unchanged base first): chr6-100517984-CA-C. GRCh37 (hg19) VCF-style: chr6-100965860-CA-C.
Identifiers: ClinVar variation 4755817 (VCV004755817.1).

ClinVar aggregate classification (germline): Uncertain significance (1 of 4 stars; one submission).

Submission:

GeneDx
Classification: Uncertain significance. Last evaluated: 2025-08-05. Review status: criteria provided, single submitter. Criteria: GeneDx Variant Classification Process June 2021. Collection method: clinical testing. Allele origin: germline. Affected: yes.
Comment: Has not been previously published as pathogenic or benign to our knowledge; In silico analysis is inconclusive as to whether the variant alters gene splicing. In the absence of RNA/functional studies, the actual effect of this sequence change is unknown.